The following is an entry in ClinVar:

NM_014314.4(RIGI):c.1907C>T (p.Thr636Ile)

Gene: RIGI (RNA sensor RIG-I; minus strand). Cytogenetic location: 9p21.1.
Variant type: single nucleotide variant.
Coding change: c.1907C>T on transcript NM_014314.4 (MANE Select); coding-DNA position 1907, C replaced by T.
Protein change: p.Thr636Ile; replaces threonine 636 with isoleucine.
Molecular consequence: missense variant.
Genome position (GRCh38, 1-based): chr9:32,476,999, G>A on the plus strand (C>T on the coding strand, the complement: RIGI is on the minus strand). VCF-style: chr9-32476999-G-A. GRCh37 (hg19) VCF-style: chr9-32476997-G-A.
Other names: c.1901C>T, p.Thr634Ile (NM_001385907.1); c.1907C>T, p.Thr636Ile (NM_001385909.1); c.1466C>T, p.Thr489Ile (NM_001385910.1); c.1298C>T, p.Thr433Ile (NM_001385912.1); c.1892C>T, p.Thr631Ile (NM_001385913.1); c.1463C>T, p.Thr488Ile (NM_001385914.1); short protein forms T634I, T488I, T489I, T631I, T636I, T433I.
Identifiers: ClinVar variation 3664062 (VCV003664062.2).

ClinVar aggregate classification (germline): Uncertain significance (1 of 4 stars; one submission).

Submission:

Labcorp Genetics (formerly Invitae), Labcorp
Classification: Uncertain significance. Last evaluated: 2024-11-05. Review status: criteria provided, single submitter. Criteria: Invitae Variant Classification Sherloc (09022015). Collection method: clinical testing. Allele origin: germline.
Comment: This sequence change replaces threonine, which is neutral and polar, with isoleucine, which is neutral and non-polar, at codon 636 of the DDX58 protein (p.Thr636Ile). This variant is not present in population databases (gnomAD no frequency). This variant has not been reported in the literature in individuals affected with DDX58-related conditions. Invitae Evidence Modeling of protein sequence and biophysical properties (such as structural, functional, and spatial information, amino acid conservation, physicochemical variation, residue mobility, and thermodynamic stability) indicates that this missense variant is expected to disrupt DDX58 protein function with a positive predictive value of 80%. In summary, the available evidence is currently insufficient to determine the role of this variant in disease. Therefore, it has been classified as a Variant of Uncertain Significance.